The following is an entry in ClinVar:

ClinVar aggregate classification (germline): Uncertain significance. Review status: criteria provided, multiple submitters, no conflicts (2 of 4 stars). 3 submissions from 3 submitters: Uncertain significance (3). Last evaluated 2025-10-04.

Conditions:
Inborn genetic diseases. Identifiers: MedGen C0950123, MeSH D030342.

Allele frequency attached by ClinVar (database versions not stated): gnomAD 0.00001; ExAC 0.00002; TOPMed 0.00002.
gnomAD v4.1: 37 of 1,613,802 alleles (0.0023%); highest among the groups gnomAD compares: South Asian, 0.029%; no homozygotes.

Submissions (3):

Labcorp Genetics (formerly Invitae), Labcorp
Classification: Uncertain significance. Last evaluated: 2025-10-04. Review status: criteria provided, single submitter. Criteria: Invitae Variant Classification Sherloc (09022015). Collection method: clinical testing. Allele origin: germline.
Comment: This sequence change replaces arginine, which is basic and polar, with cysteine, which is neutral and slightly polar, at codon 10 of the CRADD protein (p.Arg10Cys). This variant is present in population databases (rs776902556, gnomAD 0.02%). This variant has not been reported in the literature in individuals affected with CRADD-related conditions. ClinVar contains an entry for this variant (Variation ID: 3025721). An algorithm developed to predict the effect of missense changes on protein structure and function (PolyPhen-2) suggests that this variant is likely to be disruptive. In summary, the available evidence is currently insufficient to determine the role of this variant in disease. Therefore, it has been classified as a Variant of Uncertain Significance.

Ambry Genetics
Classification: Uncertain significance for Inborn genetic diseases. Last evaluated: 2025-02-25. Review status: criteria provided, single submitter. Criteria: Ambry Variant Classification Scheme 2023. Collection method: clinical testing. Allele origin: germline.

CeGaT Center for Human Genetics Tuebingen
Classification: Uncertain significance. Last evaluated: 2024-08-01. Review status: criteria provided, single submitter. Criteria: CeGaT Center For Human Genetics Tuebingen Variant Classification Criteria Version 2. Collection method: clinical testing. Allele origin: germline. Affected: yes. Observed: 1 variant allele.
Comment: CRADD: PM2, PM3:Supporting

NM_003805.5(CRADD):c.28C>T (p.Arg10Cys)

Gene: CRADD (CARD and death domain containing adaptor protein; plus strand). Cytogenetic location: 12q22.
Variant type: single nucleotide variant.
Coding change: c.28C>T on transcript NM_003805.5 (MANE Select); coding-DNA position 28, C replaced by T.
Protein change: p.Arg10Cys; replaces arginine 10 with cysteine.
Molecular consequence: missense variant. On other transcripts: non-coding transcript variant (1).
Genome position (GRCh38, 1-based): chr12:93,678,802, C>T. VCF-style: chr12-93678802-C-T. GRCh37 (hg19) VCF-style: chr12-94072578-C-T.
Other names: c.28C>T, p.Arg10Cys (NM_001320099.2, NM_001320100.2, NM_001320101.3 and 1 more transcripts); c.28C>T (NM_003805.3); short protein forms R10C.
Identifiers: ClinVar variation 3025721 (VCV003025721.24), dbSNP rs776902556, ClinGen allele CA6720095.